The following is an entry in ClinVar:

ClinVar aggregate classification (germline): Uncertain significance (1 of 4 stars; one submission).

Conditions:
Arrhythmogenic cardiomyopathy with wooly hair and keratoderma. Also called: Arrhythmogenic cardiomyopathy with woolly hair and keratoderma; PALMOPLANTAR KERATODERMA WITH LEFT VENTRICULAR CARDIOMYOPATHY AND WOOLLY HAIR; Carvajal syndrome; Dilated cardiomyopathy with woolly hair and keratoderma. Identifiers: Orphanet 65282, MedGen C1854063, MONDO:0011581, OMIM 605676.
Arrhythmogenic right ventricular dysplasia 8 (ARVD8). Also called: Arrhythmogenic Right Ventricular Dysplasia/Cardiomyopathy 8; ARRHYTHMOGENIC RIGHT VENTRICULAR DYSPLASIA, FAMILIAL, 8; ARRHYTHMOGENIC RIGHT VENTRICULAR CARDIOMYOPATHY 8. Identifiers: MedGen C1843896, MONDO:0011831, OMIM 607450.

Submission:

Labcorp Genetics (formerly Invitae), Labcorp
Classification: Uncertain significance for Arrhythmogenic cardiomyopathy with wooly hair and keratoderma; Arrhythmogenic right ventricular dysplasia 8. Last evaluated: 2023-04-26. Review status: criteria provided, single submitter. Criteria: Invitae Variant Classification Sherloc (09022015). Collection method: clinical testing. Allele origin: germline.
Comment: Algorithms developed to predict the effect of missense changes on protein structure and function output the following: SIFT: "Not Available"; PolyPhen-2: "Benign"; Align-GVGD: "Not Available". The lysine amino acid residue is found in multiple mammalian species, which suggests that this missense change does not adversely affect protein function. This variant has not been reported in the literature in individuals affected with DSP-related conditions. This variant is not present in population databases (gnomAD no frequency). This sequence change replaces glutamic acid, which is acidic and polar, with lysine, which is basic and polar, at codon 1501 of the DSP protein (p.Glu1501Lys). In summary, the available evidence is currently insufficient to determine the role of this variant in disease. Therefore, it has been classified as a Variant of Uncertain Significance.

NM_004415.4(DSP):c.4501G>A (p.Glu1501Lys)

Gene: DSP (desmoplakin; plus strand). Cytogenetic location: 6p24.3.
Variant type: single nucleotide variant.
Coding change: c.4501G>A on transcript NM_004415.4 (MANE Select); coding-DNA position 4501, G replaced by A.
Protein change: p.Glu1501Lys; replaces glutamic acid 1501 with lysine.
Molecular consequence: missense variant. On other transcripts: intron variant (2).
Genome position (GRCh38, 1-based): chr6:7,580,691, G>A. VCF-style: chr6-7580691-G-A. GRCh37 (hg19) VCF-style: chr6-7580924-G-A.
Other names: c.4050+451G>A (NM_001319034.2); c.3582+919G>A (NM_001008844.3); short protein forms E1501K.
Identifiers: ClinVar variation 2943807 (VCV002943807.3), dbSNP rs2533928975, ClinGen allele CA362686446.